The following is an entry in ClinVar:

ClinVar aggregate classification (germline): Uncertain significance. Review status: criteria provided, multiple submitters, no conflicts (2 of 4 stars). 2 submissions from 2 submitters: Uncertain significance (2). Last evaluated 2025-03-31.

Conditions:
Muscular dystrophy-dystroglycanopathy (congenital with impaired intellectual development), type B, 2. Also called: Muscular dystrophy-dystroglycanopathy (congenital with intellectual disability), type B2; MUSCULAR DYSTROPHY, CONGENITAL, POMT2-RELATED. Identifiers: MedGen C3150416, MONDO:0013160, OMIM 613156.
Autosomal recessive limb-girdle muscular dystrophy type 2N. Also called: MUSCULAR DYSTROPHY-DYSTROGLYCANOPATHY, LIMB-GIRDLE, POMT2-RELATED; Muscular dystrophy-dystroglycanopathy (limb-girdle), type C, 2. Identifiers: Orphanet 206559, MedGen C3150418, MONDO:0013162, OMIM 613158.
Muscular dystrophy-dystroglycanopathy (congenital with brain and eye anomalies), type A2. Also called: MUSCULAR DYSTROPHY-DYSTROGLYCANOPATHY (CONGENITAL WITH BRAIN AND EYE ANOMALIES), TYPE A, 2; WALKER-WARBURG SYNDROME OR MUSCLE-EYE-BRAIN DISEASE, POMT2-RELATED. Identifiers: Orphanet 588, Orphanet 899, MedGen C3150411, MONDO:0013154, OMIM 613150.
Inborn genetic diseases. Identifiers: MedGen C0950123, MeSH D030342.

Allele frequency attached by ClinVar (database versions not stated): gnomAD exomes below 0.00001.
gnomAD v4.1: 1 of 1,614,198 alleles (0.000062%); highest among the groups gnomAD compares: Non-Finnish European, 0.000085%; no homozygotes.

Submissions (2):

Ambry Genetics
Classification: Uncertain significance for Inborn genetic diseases. Last evaluated: 2025-03-31. Review status: criteria provided, single submitter. Criteria: Ambry Variant Classification Scheme 2023. Collection method: clinical testing. Allele origin: germline.

Labcorp Genetics (formerly Invitae), Labcorp
Classification: Uncertain significance for Muscular dystrophy-dystroglycanopathy (congenital with impaired intellectual development), type B, 2; Muscular dystrophy-dystroglycanopathy (congenital with brain and eye anomalies), type A2; Autosomal recessive limb-girdle muscular dystrophy type 2N. Last evaluated: 2023-07-19. Review status: criteria provided, single submitter. Criteria: Invitae Variant Classification Sherloc (09022015). Collection method: clinical testing. Allele origin: germline.
Comment: In summary, the available evidence is currently insufficient to determine the role of this variant in disease. Therefore, it has been classified as a Variant of Uncertain Significance. Advanced modeling of protein sequence and biophysical properties (such as structural, functional, and spatial information, amino acid conservation, physicochemical variation, residue mobility, and thermodynamic stability) has been performed at Invitae for this missense variant, however the output from this modeling did not meet the statistical confidence thresholds required to predict the impact of this variant on POMT2 protein function. ClinVar contains an entry for this variant (Variation ID: 1498514). This variant has not been reported in the literature in individuals affected with POMT2-related conditions. This variant is not present in population databases (gnomAD no frequency). This sequence change replaces tryptophan, which is neutral and slightly polar, with leucine, which is neutral and non-polar, at codon 570 of the POMT2 protein (p.Trp570Leu).

NM_013382.7(POMT2):c.1709G>T (p.Trp570Leu)

Gene: POMT2 (protein O-mannosyltransferase 2; minus strand). Cytogenetic location: 14q24.3.
Variant type: single nucleotide variant.
Coding change: c.1709G>T on transcript NM_013382.7 (MANE Select); coding-DNA position 1709, G replaced by T.
Protein change: p.Trp570Leu; replaces tryptophan 570 with leucine.
Molecular consequence: missense variant.
Genome position (GRCh38, 1-based): chr14:77,280,408, C>A on the plus strand (G>T on the coding strand, the complement: POMT2 is on the minus strand). VCF-style: chr14-77280408-C-A. GRCh37 (hg19) VCF-style: chr14-77746751-C-A.
Other names: c.1709G>T (NM_013382.5); short protein forms W570L.
Identifiers: ClinVar variation 1498514 (VCV001498514.9), dbSNP rs910353997, ClinGen allele CA263819453.